The following is an entry in ClinVar:

NM_002528.7(NTHL1):c.695C>T (p.Thr232Met)

Gene: NTHL1 (nth like DNA glycosylase 1; minus strand). Cytogenetic location: 16p13.3.
Variant type: single nucleotide variant.
Coding change: c.695C>T on transcript NM_002528.7 (MANE Select); coding-DNA position 695, C replaced by T.
Protein change: p.Thr232Met; replaces threonine 232 with methionine.
Molecular consequence: missense variant.
Genome position (GRCh38, 1-based): chr16:2,040,229, G>A on the plus strand (C>T on the coding strand, the complement: NTHL1 is on the minus strand). VCF-style: chr16-2040229-G-A. GRCh37 (hg19) VCF-style: chr16-2090230-G-A.
Other names: c.524C>T, p.Thr175Met (NM_001318193.2); c.365C>T, p.Thr122Met (NM_001318194.2); short protein forms T122M, T232M, T175M.
Identifiers: ClinVar variation 945760 (VCV000945760.11), dbSNP rs1308474938, ClinGen allele CA394289333.

ClinVar aggregate classification (germline): Uncertain significance. Review status: criteria provided, multiple submitters, no conflicts (2 of 4 stars). 2 submissions from 2 submitters: Uncertain significance (2). Last evaluated 2025-08-18.

Conditions:
Hereditary cancer-predisposing syndrome. Also called: Neoplastic Syndromes, Hereditary; Hereditary Cancer Syndrome; Tumor predisposition; Hereditary neoplastic syndrome. Identifiers: Orphanet 140162, MedGen C0027672, MeSH D009386, MONDO:0015356.

Allele frequency attached by ClinVar (database versions not stated): gnomAD exomes below 0.00001; TOPMed below 0.00001; gnomAD 0.00001.
gnomAD v4.1: 7 of 1,613,402 alleles (0.00043%); highest among the groups gnomAD compares: African/African-American, 0.004%; no homozygotes.

Submissions (2):

Labcorp Genetics (formerly Invitae), Labcorp
Classification: Uncertain significance. Last evaluated: 2025-08-18. Review status: criteria provided, single submitter. Criteria: Invitae Variant Classification Sherloc (09022015). Collection method: clinical testing. Allele origin: germline.
Comment: This sequence change replaces threonine, which is neutral and polar, with methionine, which is neutral and non-polar, at codon 240 of the NTHL1 protein (p.Thr240Met). This variant is present in population databases (no rsID available, gnomAD 0.007%). This variant has not been reported in the literature in individuals affected with NTHL1-related conditions. ClinVar contains an entry for this variant (Variation ID: 945760). An algorithm developed to predict the effect of missense changes on protein structure and function (PolyPhen-2) suggests that this variant is likely to be disruptive. In summary, the available evidence is currently insufficient to determine the role of this variant in disease. Therefore, it has been classified as a Variant of Uncertain Significance.

Ambry Genetics
Classification: Uncertain significance for Hereditary cancer-predisposing syndrome. Last evaluated: 2024-06-23. Review status: criteria provided, single submitter. Criteria: Ambry Variant Classification Scheme 2023. Collection method: clinical testing. Allele origin: germline.
Comment: The p.T240M variant (also known as c.719C>T), located in coding exon 5 of the NTHL1 gene, results from a C to T substitution at nucleotide position 719. The threonine at codon 240 is replaced by methionine, an amino acid with similar properties. This amino acid position is highly conserved in available vertebrate species. In addition, this alteration is predicted to be deleterious by in silico analysis. Since supporting evidence is limited at this time, the clinical significance of this alteration remains unclear.